The following is an entry in ClinVar:

ClinVar aggregate classification (germline): Pathogenic. Review status: criteria provided, multiple submitters, no conflicts (2 of 4 stars). 2 submissions from 2 submitters: Pathogenic (2). Last evaluated 2024-05-28.

Conditions:
Familial cancer of breast. Also called: Hereditary breast cancer; hereditary breast carcinoma; BREAST CANCER, FAMILIAL. Identifiers: Orphanet 227535, MedGen C0346153, MONDO:0016419, OMIM 114480. Disease mechanism: loss of function.
Ataxia-telangiectasia syndrome (AT). Also called: AT, COMPLEMENTATION GROUP C; Ataxia telangiectasia (A-T); ATAXIA-TELANGIECTASIA, COMPLEMENTATION GROUP A; ATAXIA-TELANGIECTASIA, FRESNO VARIANT; Ataxia-telangiectasia, complementation group D; Ataxia-telangiectasia, complementation group E. Identifiers: Orphanet 100, MedGen C0004135, MONDO:0008840, OMIM 208900.

Submissions (2):

Myriad Genetics, Inc.
Classification: Pathogenic for Familial cancer of breast. Last evaluated: 2024-05-28. Review status: criteria provided, single submitter. Criteria: Myriad Autosomal Dominant, Autosomal Recessive and X-Linked Classification Criteria (2023). Collection method: clinical testing. Allele origin: unknown.
Comment: This variant is considered pathogenic. This variant creates a termination codon and is predicted to result in premature protein truncation.

Labcorp Genetics (formerly Invitae), Labcorp
Classification: Pathogenic for Ataxia-telangiectasia syndrome. Last evaluated: 2023-05-01. Review status: criteria provided, single submitter. Criteria: Invitae Variant Classification Sherloc (09022015). Collection method: clinical testing. Allele origin: germline.
Comment: For these reasons, this variant has been classified as Pathogenic. This variant has not been reported in the literature in individuals affected with ATM-related conditions. This variant is not present in population databases (gnomAD no frequency). This sequence change creates a premature translational stop signal (p.Leu55*) in the ATM gene. It is expected to result in an absent or disrupted protein product. Loss-of-function variants in ATM are known to be pathogenic (PMID: 23807571, 25614872).

Literature cited by the submitters: PubMed 23807571 (cited by Labcorp Genetics (formerly Invitae), Labcorp); PubMed 25614872 (cited by Labcorp Genetics (formerly Invitae), Labcorp).

NM_000051.4(ATM):c.164del (p.Tyr54_Leu55insTer)

Gene: ATM (ATM serine/threonine kinase; plus strand). Cytogenetic location: 11q22.3.
Variant type: Deletion.
Coding change: c.164del on transcript NM_000051.4 (MANE Select); coding-DNA position 164, one base deleted (T; older notation c.164delT).
Protein change: p.Tyr54_Leu55insTer.
Molecular consequence: nonsense.
Genome position (GRCh38, 1-based): chr11:108,227,867, T deleted; the last of 3 consecutive T bases (chr11:108,227,865-108,227,867); deleting any one gives the same sequence. VCF-style (leftmost placement, unchanged base first): chr11-108227864-AT-A. GRCh37 (hg19) VCF-style: chr11-108098591-AT-A.
Other names: c.164del, p.Tyr54_Leu55insTer (NM_001351834.2, NM_001351835.2, NM_001351836.2).
Identifiers: ClinVar variation 2861082 (VCV002861082.4), dbSNP rs2496897668, ClinGen allele CA2739270898.
Genomic context (GRCh38, chr11:108,227,864, plus strand): 5'-TTCGAGATCCTGAAACAATTAAACATCTAGATCGGCATTCAGATTCCAAACAAGGAAAAT[AT>A]TTGAATTGGGATGCTGTTTTTAGGTATTCTATTCAAATTTATTTTACTGTCTTTATTTTT-3'